The following is an entry in ClinVar:

NM_145698.5(ACBD5):c.61C>T (p.Pro21Ser)

Genes: ACBD5 (acyl-CoA binding domain containing 5; minus strand), LOC130003557 (ATAC-STARR-seq lymphoblastoid active region 3182; plus strand). Cytogenetic location: 10p12.1.
Variant type: single nucleotide variant.
Coding change: c.61C>T on transcript NM_145698.5 (MANE Select); coding-DNA position 61, C replaced by T.
Protein change: p.Pro21Ser; replaces proline 21 with serine.
Molecular consequence: missense variant. On other transcripts: 5 prime UTR variant (16).
Genome position (GRCh38, 1-based): chr10:27,240,439, G>A on the plus strand (C>T on the coding strand, the complement: ACBD5 is on the minus strand). VCF-style: chr10-27240439-G-A. GRCh37 (hg19) VCF-style: chr10-27529368-G-A.
Other names: c.-45C>T (NM_001042473.4, NM_001352574.2, NM_001352575.2 and 6 more transcripts); c.55C>T, p.Pro19Ser (NM_001271512.3, NM_001352571.1, NM_001352586.1 and 1 more transcripts); c.-146C>T (NM_001301251.2, NM_001301252.2, NM_001301253.2 and 4 more transcripts); c.82C>T, p.Pro28Ser (NM_001352568.1, NM_001352572.1); c.61C>T, p.Pro21Ser (NM_001352569.1, NM_001352570.1, NM_001352573.1 and 2 more transcripts); c.61C>T (NM_145698.3); short protein forms P19S, P21S, P28S.
Identifiers: ClinVar variation 1058939 (VCV001058939.6), dbSNP rs537249233, ClinGen allele CA5451043.

ClinVar aggregate classification (germline): Uncertain significance. Review status: criteria provided, multiple submitters, no conflicts (2 of 4 stars). 2 submissions from 2 submitters: Uncertain significance (2). Last evaluated 2025-09-10.

Conditions:
Inborn genetic diseases. Identifiers: MedGen C0950123, MeSH D030342.

Allele frequency attached by ClinVar (database versions not stated): ExAC 0.00003; gnomAD exomes 0.00004; gnomAD 0.00005; TOPMed 0.00009; 1000 Genomes Project 30x 0.00016; 1000 Genomes Project 0.00020.

Submissions (2):

Labcorp Genetics (formerly Invitae), Labcorp
Classification: Uncertain significance. Last evaluated: 2025-09-10. Review status: criteria provided, single submitter. Criteria: Invitae Variant Classification Sherloc (09022015). Collection method: clinical testing. Allele origin: germline.
Comment: This sequence change replaces proline, which is neutral and non-polar, with serine, which is neutral and polar, at codon 21 of the ACBD5 protein (p.Pro21Ser). This variant is present in population databases (rs537249233, gnomAD 0.02%). This variant has not been reported in the literature in individuals affected with ACBD5-related conditions. ClinVar contains an entry for this variant (Variation ID: 1058939). An algorithm developed to predict the effect of missense changes on protein structure and function (PolyPhen-2) suggests that this variant is likely to be disruptive. In summary, the available evidence is currently insufficient to determine the role of this variant in disease. Therefore, it has been classified as a Variant of Uncertain Significance.

Ambry Genetics
Classification: Uncertain significance for Inborn genetic diseases. Last evaluated: 2021-06-22. Review status: criteria provided, single submitter. Criteria: Ambry Variant Classification Scheme 2023. Collection method: clinical testing. Allele origin: germline.